The following is an entry in ClinVar:

ClinVar aggregate classification (germline): Uncertain significance (1 of 4 stars; one submission).

Conditions:
Familial adenomatous polyposis 1 (FAP1). Also called: FAMILIAL ADENOMATOUS POLYPOSIS 1, ATTENUATED; POLYPOSIS, ADENOMATOUS INTESTINAL. Identifiers: MedGen C2713442, MONDO:0021056, OMIM 175100. Disease mechanism: loss of function.

Submission:

Labcorp Genetics (formerly Invitae), Labcorp
Classification: Uncertain significance for Familial adenomatous polyposis 1. Last evaluated: 2022-05-19. Review status: criteria provided, single submitter. Criteria: Invitae Variant Classification Sherloc (09022015). Collection method: clinical testing. Allele origin: germline.
Comment: This sequence change replaces methionine, which is neutral and non-polar, with isoleucine, which is neutral and non-polar, at codon 210 of the APC protein (p.Met210Ile). This variant is not present in population databases (gnomAD no frequency). This variant has not been reported in the literature in individuals affected with APC-related conditions. Algorithms developed to predict the effect of missense changes on protein structure and function are either unavailable or do not agree on the potential impact of this missense change (SIFT: "Deleterious"; PolyPhen-2: "Possibly Damaging"; Align-GVGD: "Class C0"). In summary, the available evidence is currently insufficient to determine the role of this variant in disease. Therefore, it has been classified as a Variant of Uncertain Significance.

NM_000038.6(APC):c.630G>A (p.Met210Ile)

Gene: APC (APC regulator of Wnt signaling pathway; plus strand). Cytogenetic location: 5q22.2.
Variant type: single nucleotide variant.
Coding change: c.630G>A on transcript NM_000038.6 (MANE Select); coding-DNA position 630, G replaced by A.
Protein change: p.Met210Ile; replaces methionine 210 with isoleucine.
Molecular consequence: missense variant. On other transcripts: 5 prime UTR variant (1).
Genome position (GRCh38, 1-based): chr5:112,780,888, G>A. VCF-style: chr5-112780888-G-A. GRCh37 (hg19) VCF-style: chr5-112116585-G-A.
Other names: c.630G>A, p.Met210Ile (NM_001127510.3, NM_001354895.2, NM_001354896.2 and 16 more transcripts); c.660G>A, p.Met220Ile (NM_001127511.3, NM_001354897.2, NM_001354902.2 and 1 more transcripts); c.555G>A, p.Met185Ile (NM_001354898.2, NM_001354904.2, NM_001407451.1); c.453G>A, p.Met151Ile (NM_001354900.2, NM_001354901.2, NM_001354905.2 and 1 more transcripts); c.-406G>A (NM_001354906.2, NM_001407470.1, NM_001407471.1 and 1 more transcripts); short protein forms M210I, M185I, M151I, M220I.
Identifiers: ClinVar variation 1941997 (VCV001941997.5), dbSNP rs2149640954, ClinGen allele CA16022716.